The following is an entry in ClinVar:

NM_004260.4(RECQL4):c.2662C>G (p.Gln888Glu)

Gene: RECQL4 (RecQ like helicase 4; minus strand). Cytogenetic location: 8q24.3.
Variant type: single nucleotide variant.
Coding change: c.2662C>G on transcript NM_004260.4 (MANE Select); coding-DNA position 2662, C replaced by G.
Protein change: p.Gln888Glu; replaces glutamine 888 with glutamic acid.
Molecular consequence: missense variant.
Genome position (GRCh38, 1-based): chr8:144,512,940, G>C on the plus strand (C>G on the coding strand, the complement: RECQL4 is on the minus strand). VCF-style: chr8-144512940-G-C. GRCh37 (hg19) VCF-style: chr8-145738323-G-C.
Other names: short protein forms Q888E.
Identifiers: ClinVar variation 1054337 (VCV001054337.3), dbSNP rs1406641581, ClinGen allele CA372675506.

ClinVar aggregate classification (germline): Uncertain significance (1 of 4 stars; one submission).

Conditions:
Baller-Gerold syndrome (BGS). Also called: CRANIOSYNOSTOSIS WITH RADIAL DEFECTS. Identifiers: Orphanet 1225, MedGen C0265308, MONDO:0009039, OMIM 218600.

Submission:

Labcorp Genetics (formerly Invitae), Labcorp
Classification: Uncertain significance for Baller-Gerold syndrome. Last evaluated: 2024-04-29. Review status: criteria provided, single submitter. Criteria: Invitae Variant Classification Sherloc (09022015). Collection method: clinical testing. Allele origin: germline.
Comment: This sequence change replaces glutamine, which is neutral and polar, with glutamic acid, which is acidic and polar, at codon 888 of the RECQL4 protein (p.Gln888Glu). This variant is not present in population databases (gnomAD no frequency). This variant has not been reported in the literature in individuals affected with RECQL4-related conditions. ClinVar contains an entry for this variant (Variation ID: 1054337). Advanced modeling of protein sequence and biophysical properties (such as structural, functional, and spatial information, amino acid conservation, physicochemical variation, residue mobility, and thermodynamic stability) performed at Invitae indicates that this missense variant is not expected to disrupt RECQL4 protein function with a negative predictive value of 80%. In summary, the available evidence is currently insufficient to determine the role of this variant in disease. Therefore, it has been classified as a Variant of Uncertain Significance.